The following is an entry in ClinVar:

ClinVar aggregate classification (germline): Uncertain significance (1 of 4 stars; one submission).

gnomAD v4.1: 6 of 152,186 alleles (0.0039%); highest among the groups gnomAD compares: South Asian, 0.021%; no homozygotes.

Submission:

Institute for Human Genetics, University Hospital Essen
Classification: Uncertain significance. Last evaluated: 2005-03-05. Review status: criteria provided, single submitter. Criteria: ACMG Guidelines, 2015. Collection method: clinical testing. Allele origin: de novo. Affected: yes.
Comment: PM2_supp, PS2

NR_002756.2(RNU5A-1):n.62G>A

Gene: RNU5A-1 (RNA, U5A small nuclear 1; plus strand). Cytogenetic location: 15q22.31.
Variant type: single nucleotide variant.
Molecular consequence: non-coding transcript variant (on NR_002756.2).
Genome position: GRCh38 VCF-style: chr15-65296112-G-A. GRCh37 (hg19) VCF-style: chr15-65588450-G-A.
Identifiers: ClinVar variation 3770181 (VCV003770181.1).